The following is an entry in ClinVar:

ClinVar aggregate classification (germline): Uncertain significance. Review status: criteria provided, multiple submitters, no conflicts (2 of 4 stars). 2 submissions from 2 submitters: Uncertain significance (2). Last evaluated 2023-11-09.

Conditions:
Glycogen storage disease due to lactate dehydrogenase M-subunit deficiency (GSD11). Also called: Glycogen storage disease XI; GSD XI; LACTATE DEHYDROGENASE A DEFICIENCY. Identifiers: Orphanet 284426, MedGen C2931743, MONDO:0013047, OMIM 612933.

Allele frequency attached by ClinVar (database versions not stated): 1000 Genomes Project 30x 0.00016; ExAC 0.00028; gnomAD 0.00029; gnomAD exomes 0.00030 and 0.00050; 1000 Genomes Project 0.00020; TOPMed 0.00026; ESP Exome Variant Server 0.00031.
gnomAD v4.1: 761 of 1,612,598 alleles (0.047%); highest among the groups gnomAD compares: Non-Finnish European, 0.06%; no homozygotes.

Submissions (2):

GeneDx
Classification: Uncertain significance. Last evaluated: 2023-11-09. Review status: criteria provided, single submitter. Criteria: GeneDx Variant Classification Process June 2021. Collection method: clinical testing. Allele origin: germline. Affected: yes.
Comment: In silico analysis supports that this missense variant has a deleterious effect on protein structure/function; Has not been previously published as pathogenic or benign to our knowledge

Labcorp Genetics (formerly Invitae), Labcorp
Classification: Uncertain significance for Glycogen storage disease due to lactate dehydrogenase M-subunit deficiency. Last evaluated: 2022-09-02. Review status: criteria provided, single submitter. Criteria: Invitae Variant Classification Sherloc (09022015). Collection method: clinical testing. Allele origin: germline.
Comment: This sequence change replaces threonine, which is neutral and polar, with isoleucine, which is neutral and non-polar, at codon 3 of the LDHA protein (p.Thr3Ile). This variant is present in population databases (rs200251957, gnomAD 0.05%). This variant has not been reported in the literature in individuals affected with LDHA-related conditions. ClinVar contains an entry for this variant (Variation ID: 1046949). Algorithms developed to predict the effect of missense changes on protein structure and function (SIFT, PolyPhen-2, Align-GVGD) all suggest that this variant is likely to be tolerated. In summary, the available evidence is currently insufficient to determine the role of this variant in disease. Therefore, it has been classified as a Variant of Uncertain Significance.

NM_005566.4(LDHA):c.8C>T (p.Thr3Ile)

Gene: LDHA (lactate dehydrogenase A; plus strand). Cytogenetic location: 11p15.1.
Variant type: single nucleotide variant.
Coding change: c.8C>T on transcript NM_005566.4 (MANE Select); coding-DNA position 8, C replaced by T.
Protein change: p.Thr3Ile; replaces threonine 3 with isoleucine.
Molecular consequence: missense variant. On other transcripts: non-coding transcript variant (1).
Genome position (GRCh38, 1-based): chr11:18,396,850, C>T. VCF-style: chr11-18396850-C-T. GRCh37 (hg19) VCF-style: chr11-18418397-C-T.
Other names: c.8C>T, p.Thr3Ile (NM_001135239.2, NM_001165415.2, NM_001165416.2); c.95C>T, p.Thr32Ile (NM_001165414.2); short protein forms T3I, T32I.
Identifiers: ClinVar variation 1046949 (VCV001046949.9), dbSNP rs200251957, ClinGen allele CA5911162.